The following is an entry in ClinVar:

ClinVar aggregate classification (germline): Likely benign (0 of 4 stars; one submission).

Conditions:
AKT2-related disorder. Also called: AKT2-related condition.

Allele frequency attached by ClinVar (database versions not stated): gnomAD exomes below 0.00001; ExAC 0.00001; gnomAD 0.00007; TOPMed 0.00011.
gnomAD v4.1: 16 of 1,613,610 alleles (0.00099%); highest among the groups gnomAD compares: African/African-American, 0.011%; no homozygotes.

Submission:

PreventionGenetics, part of Exact Sciences
Classification: Likely benign for AKT2-related condition. Last evaluated: 2022-08-22. Review status: no assertion criteria provided. Collection method: clinical testing. Allele origin: germline.
Comment: This variant is classified as likely benign based on ACMG/AMP sequence variant interpretation guidelines (Richards et al. 2015 PMID: 25741868, with internal and published modifications).

NM_001626.6(AKT2):c.1281A>G (p.Lys427=)

Gene: AKT2 (AKT serine/threonine kinase 2; minus strand). Cytogenetic location: 19q13.2.
Variant type: single nucleotide variant.
Coding change: c.1281A>G on transcript NM_001626.6 (MANE Select); coding-DNA position 1281, A replaced by G.
Protein change: p.Lys427=; no amino-acid change (lysine 427 retained).
Molecular consequence: synonymous variant.
Genome position (GRCh38, 1-based): chr19:40,235,130, T>C on the plus strand (A>G on the coding strand, the complement: AKT2 is on the minus strand). VCF-style: chr19-40235130-T-C. GRCh37 (hg19) VCF-style: chr19-40741037-T-C.
Other names: c.1095A>G, p.Lys365= (NM_001243027.3, NM_001243028.3); c.1152A>G, p.Lys384= (NM_001330511.1).
Identifiers: ClinVar variation 3054552 (VCV003054552.2), dbSNP rs760343615, ClinGen allele CA9441484.